The following is an entry in ClinVar:

ClinVar aggregate classification (germline): Likely benign. Review status: criteria provided, multiple submitters, no conflicts (2 of 4 stars). 3 submissions from 3 submitters: Likely benign (3). Last evaluated 2026-04-01.

Conditions:
Hereditary cancer-predisposing syndrome. Also called: Tumor predisposition; Hereditary neoplastic syndrome; Hereditary Cancer Syndrome; Neoplastic Syndromes, Hereditary. Identifiers: Orphanet 140162, MedGen C0027672, MeSH D009386, MONDO:0015356.
Gastrointestinal stromal tumor. Also called: Gastrointestinal stromal tumor, somatic; Gastrointestinal stroma tumor. Identifiers: Orphanet 44890, MedGen C0238198, MeSH D046152, MONDO:0011719, OMIM 606764, HP:0100723.

Allele frequency attached by ClinVar (database versions not stated): gnomAD exomes below 0.00001; TOPMed below 0.00001.
gnomAD v4.1: 3 of 1,614,154 alleles (0.00019%); highest among the groups gnomAD compares: Non-Finnish European, 0.00025%; no homozygotes.

Submissions (3):

CeGaT Center for Human Genetics Tuebingen
Classification: Likely benign. Last evaluated: 2026-04-01. Review status: criteria provided, single submitter. Criteria: CeGaT Center For Human Genetics Tuebingen Variant Classification Criteria Version 2. Collection method: clinical testing. Allele origin: germline. Affected: yes. Observed: 2 variant alleles.
Comment: KIT: BP4, BP7

Labcorp Genetics (formerly Invitae), Labcorp
Classification: Likely benign for Gastrointestinal stromal tumor. Last evaluated: 2026-01-19. Review status: criteria provided, single submitter. Criteria: Invitae Variant Classification Sherloc (09022015). Collection method: clinical testing. Allele origin: germline.

Ambry Genetics
Classification: Likely benign for Hereditary cancer-predisposing syndrome. Last evaluated: 2019-05-22. Review status: criteria provided, single submitter. Criteria: Ambry Variant Classification Scheme 2023. Collection method: clinical testing. Allele origin: germline.

NM_000222.3(KIT):c.2658C>T (p.Gly886=)

Gene: KIT (KIT proto-oncogene, receptor tyrosine kinase; plus strand). Cytogenetic location: 4q12.
Variant type: single nucleotide variant.
Coding change: c.2658C>T on transcript NM_000222.3 (MANE Select); coding-DNA position 2658, C replaced by T.
Protein change: p.Gly886=; no amino-acid change (glycine 886 retained).
Molecular consequence: synonymous variant.
Genome position (GRCh38, 1-based): chr4:54,736,782, C>T. VCF-style: chr4-54736782-C-T. GRCh37 (hg19) VCF-style: chr4-55602948-C-T.
Other names: c.2646C>T, p.Gly882= (NM_001093772.2, NM_001385292.1); c.2661C>T, p.Gly887= (NM_001385284.1); c.2655C>T, p.Gly885= (NM_001385285.1); c.2643C>T, p.Gly881= (NM_001385286.1); c.2649C>T, p.Gly883= (NM_001385288.1); c.2658C>T, p.Gly886= (NM_001385290.1).
Identifiers: ClinVar variation 415797 (VCV000415797.33), dbSNP rs1060504658, ClinGen allele CA16611568.
Genomic context (GRCh38, chr4:54,736,782, plus strand): 5'-AAGCAGCCCCTATCCTGGAATGCCGGTCGATTCTAAGTTCTACAAGATGATCAAGGAAGG[C>T]TTCCGGATGCTCAGCCCTGAACACGCACCTGCTGAAATGTAAGAGCCAAAAAATTTTTCC-3'
Protein context (NP_000213.1, residues 876-896): DSKFYKMIKE[Gly886=]FRMLSPEHAP